The following is an entry in ClinVar:

ClinVar aggregate classification (germline): Uncertain significance (1 of 4 stars; one submission).

gnomAD v4.1: 13 of 1,614,240 alleles (0.00081%); highest among the groups gnomAD compares: Non-Finnish European, 0.0011%; no homozygotes.

Submission:

GeneDx
Classification: Uncertain significance. Last evaluated: 2018-11-27. Review status: criteria provided, single submitter. Criteria: GeneDx Variant Classification Process June 2021. Collection method: clinical testing. Allele origin: germline. Affected: yes.
Comment: Has not been previously published as pathogenic or benign to our knowledge; Not observed in large population cohorts (Lek et al., 2016); In silico analysis, which includes splice predictors and evolutionary conservation, suggests this variant may impact gene splicing. In the absence of RNA/functional studies, the actual effect of this sequence change is unknown.; In silico predictors and evolutionary conservation suggest the missense change does not alter protein structure/function

NM_001365999.1(SZT2):c.5986A>G (p.Ser1996Gly)

Gene: SZT2 (SZT2 subunit of KICSTOR complex; plus strand). Cytogenetic location: 1p34.2.
Variant type: single nucleotide variant.
Coding change: c.5986A>G on transcript NM_001365999.1 (MANE Select); coding-DNA position 5986, A replaced by G.
Protein change: p.Ser1996Gly; replaces serine 1996 with glycine.
Molecular consequence: missense variant.
Genome position (GRCh38, 1-based): chr1:43,435,281, A>G. VCF-style: chr1-43435281-A-G. GRCh37 (hg19) VCF-style: chr1-43900952-A-G.
Other names: c.5815A>G, p.Ser1939Gly (NM_015284.4); short protein forms S1939G, S1996G.
Identifiers: ClinVar variation 1304322 (VCV001304322.2), dbSNP rs2153934658, ClinGen allele CA340027546.
Genomic context (GRCh38, chr1:43,435,281, plus strand): 5'-CATGACAGCCACGTGTGTAACTCTCTTCTGGTGGCCGAGAGTGAAGAAGATCTGTGGCGC[A>G]GTGAGACTCCCTTCCACTCCCGTCAGCGGGCACCACTGCCCAGTGATGGTGAGATCCCAC-3'
Protein context (NP_001352928.1, residues 1986-2006): VAESEEDLWR[Ser1996Gly]ETPFHSRQRA